The following is an entry in ClinVar:

NM_021628.3(ALOXE3):c.1811A>G (p.Asn604Ser)

Gene: ALOXE3 (arachidonate epidermal lipoxygenase 3; minus strand). Cytogenetic location: 17p13.1.
Variant type: single nucleotide variant.
Coding change: c.1811A>G on transcript NM_021628.3 (MANE Select); coding-DNA position 1811, A replaced by G.
Protein change: p.Asn604Ser; replaces asparagine 604 with serine.
Molecular consequence: missense variant.
Genome position (GRCh38, 1-based): chr17:8,103,468, T>C on the plus strand (A>G on the coding strand, the complement: ALOXE3 is on the minus strand). VCF-style: chr17-8103468-T-C. GRCh37 (hg19) VCF-style: chr17-8006786-T-C.
Other names: c.2207A>G, p.Asn736Ser (NM_001165960.1); c.1808A>G, p.Asn603Ser (NM_001369446.1); short protein forms N604S, N603S, N736S.
Identifiers: ClinVar variation 2226203 (VCV002226203.6), dbSNP rs766578836, ClinGen allele CA8367933.
Genomic context (GRCh38, chr17:8,103,468, plus strand): 5'-GTCTTCAGGGTGGTGGTCCCCTTGGTCTGGGGTGGGGGCTGCCTCATGGATGATGGAGCA[T>C]TGGGCATCCAGGCCCCAAAGTCATGCTGTGGAGACCCCCATCCCAGTTGGGTCAGTTGGC-3'
Protein context (NP_067641.2, residues 594-614): GQHDFGAWMP[Asn604Ser]APSSMRQPPP

ClinVar aggregate classification (germline): Uncertain significance. Review status: criteria provided, multiple submitters, no conflicts (2 of 4 stars). 3 submissions from 3 submitters: Uncertain significance (3). Last evaluated 2024-12-19.

Conditions:
Inborn genetic diseases. Identifiers: MedGen C0950123, MeSH D030342.
Autosomal recessive congenital ichthyosis 3 (ARCI3). Also called: ICHTHYOSIS, LAMELLAR, 5. Identifiers: MedGen C3539888, MONDO:0011680, OMIM 606545.

Allele frequency attached by ClinVar (database versions not stated): ExAC 0.00001; gnomAD 0.00001; gnomAD exomes 0.00002; TOPMed 0.00002.
gnomAD v4.1: 31 of 1,614,030 alleles (0.0019%); highest among the groups gnomAD compares: Non-Finnish European, 0.0025%; no homozygotes.

Submissions (3):

Genomic Medicine Center of Excellence, King Faisal Specialist Hospital and Research Centre
Classification: Uncertain significance for Autosomal recessive congenital ichthyosis 3. Last evaluated: 2024-12-19. Review status: criteria provided, single submitter. Criteria: ACMG Guidelines, 2015. Collection method: clinical testing. Allele origin: germline.

Labcorp Genetics (formerly Invitae), Labcorp
Classification: Uncertain significance. Last evaluated: 2023-07-12. Review status: criteria provided, single submitter. Criteria: Invitae Variant Classification Sherloc (09022015). Collection method: clinical testing. Allele origin: germline.
Comment: In summary, the available evidence is currently insufficient to determine the role of this variant in disease. Therefore, it has been classified as a Variant of Uncertain Significance. Advanced modeling of protein sequence and biophysical properties (such as structural, functional, and spatial information, amino acid conservation, physicochemical variation, residue mobility, and thermodynamic stability) performed at Invitae indicates that this missense variant is not expected to disrupt ALOXE3 protein function. ClinVar contains an entry for this variant (Variation ID: 2226203). This variant has not been reported in the literature in individuals affected with ALOXE3-related conditions. This variant is present in population databases (rs766578836, gnomAD 0.0009%). This sequence change replaces asparagine, which is neutral and polar, with serine, which is neutral and polar, at codon 604 of the ALOXE3 protein (p.Asn604Ser).

Ambry Genetics
Classification: Uncertain significance for Inborn genetic diseases. Last evaluated: 2021-10-12. Review status: criteria provided, single submitter. Criteria: Ambry Variant Classification Scheme 2023. Collection method: clinical testing. Allele origin: germline.